The following is an entry in ClinVar:

NM_002662.5(PLD1):c.1978C>T (p.Leu660Phe)

Gene: PLD1 (phospholipase D1; minus strand). Cytogenetic location: 3q26.31.
Variant type: single nucleotide variant.
Coding change: c.1978C>T on transcript NM_002662.5 (MANE Select); coding-DNA position 1978, C replaced by T.
Protein change: p.Leu660Phe; replaces leucine 660 with phenylalanine.
Molecular consequence: missense variant.
Genome position (GRCh38, 1-based): chr3:171,677,584, G>A on the plus strand (C>T on the coding strand, the complement: PLD1 is on the minus strand). VCF-style: chr3-171677584-G-A. GRCh37 (hg19) VCF-style: chr3-171395374-G-A.
Other names: c.1864C>T, p.Leu622Phe (NM_001130081.3); short protein forms L622F, L660F.
Identifiers: ClinVar variation 3239237 (VCV003239237.19), dbSNP rs2473842523.

ClinVar aggregate classification (germline): Uncertain significance (1 of 4 stars; one submission).

Allele frequency attached by ClinVar (database versions not stated): gnomAD exomes below 0.00001.
gnomAD v4.1: 1 of 1,613,988 alleles (0.000062%); highest among the groups gnomAD compares: Admixed American, 0.0017%; no homozygotes.

Submission:

CeGaT Center for Human Genetics Tuebingen
Classification: Uncertain significance. Last evaluated: 2024-05-01. Review status: criteria provided, single submitter. Criteria: CeGaT Center For Human Genetics Tuebingen Variant Classification Criteria Version 2. Collection method: clinical testing. Allele origin: germline. Affected: yes. Observed: 2 variant alleles.
Comment: PLD1: PM2, PM3:Supporting